The following is an entry in ClinVar:

NM_000719.7(CACNA1C):c.6060_6065del (p.Gln2021_Ala2022del)

Genes: CACNA1C (calcium voltage-gated channel subunit alpha1 C; plus strand), CACNA1C-AS1 (CACNA1C antisense RNA 1; minus strand). Cytogenetic location: 12p13.33.
Variant type: Deletion.
Coding change: c.6060_6065del on transcript NM_000719.7 (MANE Select); coding-DNA positions 6060 to 6065, 6 bases deleted (CCAGGC; older notation c.6060_6065delCCAGGC).
Protein change: p.Gln2021_Ala2022del.
Molecular consequence: inframe deletion.
Genome position (GRCh38, 1-based): chr12:2,688,722-2,688,727, CCAGGC deleted. VCF-style (leftmost placement, unchanged base first): chr12-2688721-GCCAGGC-G. GRCh37 (hg19) VCF-style: chr12-2797887-GCCAGGC-G.
Other names: c.6204_6209del, p.Gln2069_Ala2070del (NM_001129827.2); c.6183_6188del, p.Gln2062_Ala2063del (NM_001129829.2); c.6165_6170del, p.Gln2056_Ala2057del (NM_001129830.3, NM_001167624.3); c.6144_6149del, p.Gln2049_Ala2050del (NM_001129831.2); c.6120_6125del, p.Gln2041_Ala2042del (NM_001129832.2); c.6117_6122del, p.Gln2040_Ala2041del (NM_001129833.2, NM_001129834.2, NM_001129835.2); c.6111_6116del, p.Gln2038_Ala2039del (NM_001129836.2); c.6084_6089del, p.Gln2029_Ala2030del (NM_001129837.2, NM_001129838.2); and 6 more.
Identifiers: ClinVar variation 588700 (VCV000588700.5), dbSNP rs1569288182, ClinGen allele CA891843470.

ClinVar aggregate classification (germline): Uncertain significance (1 of 4 stars; one submission).

Conditions:
Cardiovascular phenotype. Identifiers: MedGen CN230736.

Submission:

Ambry Genetics
Classification: Uncertain significance for Cardiovascular phenotype. Last evaluated: 2017-01-23. Review status: criteria provided, single submitter. Criteria: Ambry Variant Classification Scheme 2023. Collection method: clinical testing. Allele origin: germline.
Comment: The c.6060_6065delCCAGGC variant (also known as p.Q2021_A2022del) is located in coding exon 46 of the CACNA1C gene. This variant results from an in-frame CCAGGC deletion at nucleotide positions 6060 to 6065. This results in the in-frame deletion of a glutamine and alanine at codons 2021 and 2022. These amino acid positions are poorly conserved in available vertebrate species. Since supporting evidence is limited at this time, the clinical significance of this variant remains unclear.